The following is an entry in ClinVar:

ClinVar aggregate classification (germline): Uncertain significance (1 of 4 stars; one submission).

Conditions:
Chondrodysplasia-pseudohermaphroditism syndrome. Also called: Chondrodysplasia pseudohermaphrodism syndrome; Pseudohermaphrodism and chondrodysplasia. Identifiers: Orphanet 1422, MedGen C1838654, MONDO:0010814, OMIM 600092.

gnomAD v4.1: 21 of 1,613,952 alleles (0.0013%); highest among the groups gnomAD compares: East Asian, 0.0022%; no homozygotes.

Submission:

Juno Genomics, Hangzhou Juno Genomics, Inc
Classification: Uncertain significance for Chondrodysplasia-pseudohermaphroditism syndrome. Review status: criteria provided, single submitter. Criteria: ACMG Guidelines, 2015. Collection method: clinical testing. Allele origin: germline.
Comment: Absent from controls (or at extremely low frequency if recessive) in Genome Aggregation Database.;Multiple lines of computational evidence support a deleterious effect on the gene or gene product.

NM_018194.6(HHAT):c.968G>A (p.Arg323His)

Gene: HHAT (hedgehog acyltransferase; plus strand). Cytogenetic location: 1q32.2.
Variant type: single nucleotide variant.
Coding change: c.968G>A on transcript NM_018194.6 (MANE Select); coding-DNA position 968, G replaced by A.
Protein change: p.Arg323His; replaces arginine 323 with histidine.
Molecular consequence: missense variant.
Genome position (GRCh38, 1-based): chr1:210,464,616, G>A. VCF-style: chr1-210464616-G-A. GRCh37 (hg19) VCF-style: chr1-210637960-G-A.
Other names: c.971G>A, p.Arg324His (NM_001170587.3); c.773G>A, p.Arg258His (NM_001170588.3); c.968G>A, p.Arg323His (NM_001122834.4, NM_001170580.3); c.557G>A, p.Arg186His (NM_001170564.3); short protein forms R324H, R258H, R323H, R186H.
Identifiers: ClinVar variation 5005663 (VCV005005663.2).
Genomic context (GRCh38, chr1:210,464,616, plus strand): 5'-TCTTTGGCGTGCCTGCTCTGCTCATGCGCCTGGATGGACTCACTCCACCCGCCCTCCCCC[G>A]CTGCGTGAGCACCATGTTCAGTTTCACCGGGATGTGGAGGTCAGGCGCTGGGATTGCTAA-3'
Protein context (NP_060664.2, residues 313-333): LDGLTPPALP[Arg323His]CVSTMFSFTG